The following is an entry in ClinVar:

ClinVar aggregate classification (germline): Benign/Likely benign. Review status: criteria provided, multiple submitters, no conflicts (2 of 4 stars). 4 submissions from 4 submitters: Benign (1); Likely benign (3). Last evaluated 2025-03-20.

Conditions:
Hereditary cancer-predisposing syndrome. Also called: Neoplastic Syndromes, Hereditary; Tumor predisposition; Hereditary Cancer Syndrome; Hereditary neoplastic syndrome. Identifiers: Orphanet 140162, MedGen C0027672, MeSH D009386, MONDO:0015356.
Familial adenomatous polyposis 1 (FAP1). Also called: FAMILIAL ADENOMATOUS POLYPOSIS 1, ATTENUATED; POLYPOSIS, ADENOMATOUS INTESTINAL. Identifiers: MedGen C2713442, MONDO:0021056, OMIM 175100. Disease mechanism: loss of function.

Submissions (4):

Ambry Genetics
Classification: Likely benign for Hereditary cancer-predisposing syndrome. Last evaluated: 2025-03-20. Review status: criteria provided, single submitter. Criteria: Ambry Variant Classification Scheme 2023. Collection method: clinical testing. Allele origin: germline.

Myriad Genetics, Inc.
Classification: Benign for Familial adenomatous polyposis 1. Last evaluated: 2024-03-22. Review status: criteria provided, single submitter. Criteria: Myriad Autosomal Dominant, Autosomal Recessive and X-Linked Classification Criteria (2023). Collection method: clinical testing. Allele origin: unknown.
Comment: This variant is considered benign. This variant is a silent/synonymous amino acid change and it is not expected to impact splicing.

Labcorp Genetics (formerly Invitae), Labcorp
Classification: Likely benign for Familial adenomatous polyposis 1. Last evaluated: 2024-02-26. Review status: criteria provided, single submitter. Criteria: Invitae Variant Classification Sherloc (09022015). Collection method: clinical testing. Allele origin: germline.

Color Diagnostics, LLC DBA Color Health
Classification: Likely benign for Hereditary cancer-predisposing syndrome. Last evaluated: 2019-05-06. Review status: criteria provided, single submitter. Criteria: ACMG Guidelines, 2015. Collection method: clinical testing. Allele origin: germline.

NM_000038.6(APC):c.3819A>G (p.Arg1273=)

Gene: APC (APC regulator of Wnt signaling pathway; plus strand). Cytogenetic location: 5q22.2.
Variant type: single nucleotide variant.
Coding change: c.3819A>G on transcript NM_000038.6 (MANE Select); coding-DNA position 3819, A replaced by G.
Protein change: p.Arg1273=; no amino-acid change (arginine 1273 retained).
Molecular consequence: synonymous variant.
Genome position (GRCh38, 1-based): chr5:112,839,413, A>G. VCF-style: chr5-112839413-A-G. GRCh37 (hg19) VCF-style: chr5-112175110-A-G.
Other names: c.3819A>G, p.Arg1273= (NM_001127510.3, NM_001354895.2); c.3765A>G, p.Arg1255= (NM_001127511.3); c.3873A>G, p.Arg1291= (NM_001354896.2); c.3849A>G, p.Arg1283= (NM_001354897.2); c.3744A>G, p.Arg1248= (NM_001354898.2); c.3735A>G, p.Arg1245= (NM_001354899.2); c.3696A>G, p.Arg1232= (NM_001354900.2); c.3642A>G, p.Arg1214= (NM_001354901.2); and 5 more.
Identifiers: ClinVar variation 927053 (VCV000927053.15), dbSNP rs1765530477, ClinGen allele CA445963717.
Genomic context (GRCh38, chr5:112,839,413, plus strand): 5'-TATTAACCAAGAAACAATACAGACTTATTGTGTAGAAGATACTCCAATATGTTTTTCAAG[A>G]TGTAGTTCATTATCATCTTTGTCATCAGCTGAAGATGAAATAGGATGTAATCAGACGACA-3'
Protein context (NP_000029.2, residues 1263-1283): CVEDTPICFS[Arg1273=]CSSLSSLSSA